The following is an entry in ClinVar:

ClinVar aggregate classification (germline): Pathogenic. Review status: criteria provided, multiple submitters, no conflicts (2 of 4 stars). 2 submissions from 2 submitters: Pathogenic (2). Last evaluated 2024-01-09.

Conditions:
Hereditary diffuse gastric adenocarcinoma (HDGC). Also called: DIFFUSE GASTRIC AND LOBULAR BREAST CANCER SYNDROME. Identifiers: Orphanet 26106, MedGen C1708349, MONDO:0007648, OMIM 137215.

Submissions (2):

Myriad Genetics, Inc.
Classification: Pathogenic for Hereditary diffuse gastric adenocarcinoma. Last evaluated: 2024-01-09. Review status: criteria provided, single submitter. Criteria: Myriad Autosomal Dominant, Autosomal Recessive and X-Linked Classification Criteria (2023). Collection method: clinical testing. Allele origin: unknown.
Comment: This variant is considered pathogenic. This variant creates a frameshift predicted to result in premature protein truncation.

Labcorp Genetics (formerly Invitae), Labcorp
Classification: Pathogenic. Last evaluated: 2023-06-13. Review status: criteria provided, single submitter. Criteria: Invitae Variant Classification Sherloc (09022015). Collection method: clinical testing. Allele origin: germline.
Comment: For these reasons, this variant has been classified as Pathogenic. ClinVar contains an entry for this variant (Variation ID: 661149). This variant has not been reported in the literature in individuals affected with CTNNA1-related conditions. This variant is not present in population databases (gnomAD no frequency). This sequence change creates a premature translational stop signal (p.Lys75Glyfs*3) in the CTNNA1 gene. It is expected to result in an absent or disrupted protein product. Loss-of-function variants in CTNNA1 are known to be pathogenic (PMID: 32051609, 34425242).

Literature cited by the submitters: PubMed 32051609 (cited by Labcorp Genetics (formerly Invitae), Labcorp); PubMed 34425242 (cited by Labcorp Genetics (formerly Invitae), Labcorp).

NM_001903.5(CTNNA1):c.222_223del (p.Lys75fs)

Gene: CTNNA1 (catenin alpha 1; plus strand). Cytogenetic location: 5q31.2.
Variant type: Microsatellite.
Coding change: c.222_223del on transcript NM_001903.5 (MANE Select); coding-DNA positions 222 to 223, 2 bases deleted (GA; older notation c.222_223delGA).
Protein change: p.Lys75fs; shifts the reading frame from lysine 75.
Molecular consequence: frameshift variant. On other transcripts: intron variant (2).
Genome position (GRCh38, 1-based): chr5:138,783,293-138,783,294, GA deleted; deleting any 2 consecutive bases within chr5:138,783,291-138,783,294 gives the same sequence; the c. name uses the placement nearest the transcript's 3' end. VCF-style (leftmost placement, unchanged base first): chr5-138783290-GGA-G. GRCh37 (hg19) VCF-style: chr5-138118979-GGA-G.
Other names: c.222_223del (NM_001903.3); c.222_223del, p.Lys75fs (NM_001290307.3, NM_001323982.2, NM_001323983.1 and 3 more transcripts); c.-6+21_-6+22del (NM_001290310.3); c.-9+1264_-9+1265del (NM_001290309.3); short protein forms K75fs.
Identifiers: ClinVar variation 661149 (VCV000661149.9), dbSNP rs1580984414, ClinGen allele CA915942587.
Genomic context (GRCh38, chr5:138,783,290, plus strand): 5'-TCGTTCTAAGAAGGCCCATGTTTTGGCTGCATCTGTTGAACAAGCAACTGAGAATTTCTT[GGA>G]GAAGGGGGATAAAATTGCGAAGGAGAGCCAGTTTCTCAAGGAGGAGCTTGTGGCTGCTGT-3'